The following is an entry in ClinVar:

NM_004722.4(AP4M1):c.1015G>A (p.Gly339Arg)

Gene: AP4M1 (adaptor related protein complex 4 subunit mu 1; plus strand). Cytogenetic location: 7q22.1.
Variant type: single nucleotide variant.
Coding change: c.1015G>A on transcript NM_004722.4 (MANE Select); coding-DNA position 1015, G replaced by A.
Protein change: p.Gly339Arg; replaces glycine 339 with arginine.
Molecular consequence: missense variant.
Genome position (GRCh38, 1-based): chr7:100,106,281, G>A. VCF-style: chr7-100106281-G-A. GRCh37 (hg19) VCF-style: chr7-99703904-G-A.
Other names: c.1036G>A, p.Gly346Arg (NM_001363671.2); short protein forms G339R, G346R.
Identifiers: ClinVar variation 1713370 (VCV001713370.5), dbSNP rs1407983747, ClinGen allele CA368474513.

ClinVar aggregate classification (germline): Uncertain significance (1 of 4 stars; one submission).

Conditions:
Hereditary spastic paraplegia 50 (SPG50). Also called: Spastic paraplegia 50, autosomal recessive. Identifiers: Orphanet 280763, MedGen C2752008, MONDO:0013048, OMIM 612936.

gnomAD v4.1: 1 of 1,614,034 alleles (0.000062%); highest among the groups gnomAD compares: Non-Finnish European, 0.000085%; no homozygotes.

Submission:

Labcorp Genetics (formerly Invitae), Labcorp
Classification: Uncertain significance for Hereditary spastic paraplegia 50. Last evaluated: 2022-10-17. Review status: criteria provided, single submitter. Criteria: Invitae Variant Classification Sherloc (09022015). Collection method: clinical testing. Allele origin: germline.
Comment: This sequence change replaces glycine, which is neutral and non-polar, with arginine, which is basic and polar, at codon 339 of the AP4M1 protein (p.Gly339Arg). This variant is present in population databases (no rsID available, gnomAD 0.0009%). This variant has not been reported in the literature in individuals affected with AP4M1-related conditions. Advanced modeling of protein sequence and biophysical properties (such as structural, functional, and spatial information, amino acid conservation, physicochemical variation, residue mobility, and thermodynamic stability) performed at Invitae indicates that this missense variant is not expected to disrupt AP4M1 protein function. In summary, the available evidence is currently insufficient to determine the role of this variant in disease. Therefore, it has been classified as a Variant of Uncertain Significance.